The following is an entry in ClinVar:

ClinVar aggregate classification (germline): Uncertain significance (1 of 4 stars; one submission).

Conditions:
Hereditary breast ovarian cancer syndrome. Also called: Hereditary breast and ovarian cancer syndrome; Hereditary breast and ovarian cancer syndrome (HBOC); BRCA1- and BRCA2-Associated Hereditary Breast and Ovarian Cancer; Hereditary breast and ovarian cancer; Breast and ovarian cancer; Hereditary breast and/or ovarian cancer syndrome. Identifiers: Orphanet 145, MedGen C0677776, MeSH D061325, MONDO:0003582. Disease mechanism: loss of function.

Submission:

Labcorp Genetics (formerly Invitae), Labcorp
Classification: Uncertain significance for Hereditary breast ovarian cancer syndrome. Last evaluated: 2024-02-22. Review status: criteria provided, single submitter. Criteria: Invitae Variant Classification Sherloc (09022015). Collection method: clinical testing. Allele origin: germline.
Comment: This sequence change replaces glutamine, which is neutral and polar, with lysine, which is basic and polar, at codon 2823 of the BRCA2 protein (p.Gln2823Lys). This variant is not present in population databases (gnomAD no frequency). This variant has not been reported in the literature in individuals affected with BRCA2-related conditions. Advanced modeling of protein sequence and biophysical properties (such as structural, functional, and spatial information, amino acid conservation, physicochemical variation, residue mobility, and thermodynamic stability) performed at Invitae indicates that this missense variant is not expected to disrupt BRCA2 protein function with a negative predictive value of 95%. In summary, the available evidence is currently insufficient to determine the role of this variant in disease. Therefore, it has been classified as a Variant of Uncertain Significance.

NM_000059.4(BRCA2):c.8467C>A (p.Gln2823Lys)

Gene: BRCA2 (BRCA2 DNA repair associated; plus strand). Cytogenetic location: 13q13.1.
Variant type: single nucleotide variant.
Coding change: c.8467C>A on transcript NM_000059.4 (MANE Select); coding-DNA position 8467, C replaced by A.
Protein change: p.Gln2823Lys; replaces glutamine 2823 with lysine.
Molecular consequence: missense variant. On other transcripts: non-coding transcript variant (1).
Genome position (GRCh38, 1-based): chr13:32,370,537, C>A. VCF-style: chr13-32370537-C-A. GRCh37 (hg19) VCF-style: chr13-32944674-C-A.
Other names: c.8371C>A, p.Gln2791Lys (NM_001406719.1); c.8467C>A, p.Gln2823Lys (NM_001406720.1, NM_001432077.1); c.3535C>A, p.Gln1179Lys (NM_001406721.1); c.2050C>A, p.Gln684Lys (NM_001406722.1); short protein forms Q2791K, Q2823K, Q1179K, Q684K.
Identifiers: ClinVar variation 3636542 (VCV003636542.2).